The following is an entry in ClinVar:

ClinVar aggregate classification (germline): Uncertain significance. Review status: criteria provided, multiple submitters, no conflicts (2 of 4 stars). 2 submissions from 2 submitters: Uncertain significance (2). Last evaluated 2022-05-28.

Conditions:
Charcot-Marie-Tooth disease type 2. Also called: Charcot-Marie-Tooth type 2. Identifiers: Orphanet 64746, MedGen C0270914, MONDO:0018993.

Submissions (2):

GeneDx
Classification: Uncertain significance. Last evaluated: 2022-05-28. Review status: criteria provided, single submitter. Criteria: GeneDx Variant Classification Process June 2021. Collection method: clinical testing. Allele origin: germline. Affected: yes.
Comment: Has not been previously published as pathogenic or benign to our knowledge; Not observed at significant frequency in large population cohorts (gnomAD); In silico analysis supports that this missense variant has a deleterious effect on protein structure/function

Labcorp Genetics (formerly Invitae), Labcorp
Classification: Uncertain significance for Charcot-Marie-Tooth disease type 2. Last evaluated: 2021-08-27. Review status: criteria provided, single submitter. Criteria: Invitae Variant Classification Sherloc (09022015). Collection method: clinical testing. Allele origin: germline.
Comment: This variant has not been reported in the literature in individuals affected with LMNA-related conditions. ClinVar contains an entry for this variant (Variation ID: 200930). Algorithms developed to predict the effect of missense changes on protein structure and function (SIFT, PolyPhen-2, Align-GVGD) all suggest that this variant is likely to be disruptive. In summary, the available evidence is currently insufficient to determine the role of this variant in disease. Therefore, it has been classified as a Variant of Uncertain Significance. This variant is not present in population databases (ExAC no frequency). This sequence change replaces arginine with proline at codon 110 of the LMNA protein (p.Arg110Pro). The arginine residue is highly conserved and there is a moderate physicochemical difference between arginine and proline.

NM_170707.4(LMNA):c.329G>C (p.Arg110Pro)

Gene: LMNA (lamin A/C; plus strand). Cytogenetic location: 1q22.
Variant type: single nucleotide variant.
Coding change: c.329G>C on transcript NM_170707.4 (MANE Select); coding-DNA position 329, G replaced by C.
Protein change: p.Arg110Pro; replaces arginine 110 with proline.
Molecular consequence: missense variant.
Genome position (GRCh38, 1-based): chr1:156,115,247, G>C. VCF-style: chr1-156115247-G-C. GRCh37 (hg19) VCF-style: chr1-156085038-G-C.
Other names: p.R110P:CGT>CCT; c.329G>C, p.Arg110Pro (NM_001282625.2, NM_001282626.2, NM_005572.4 and 1 more transcripts); short protein forms R110P.
Identifiers: ClinVar variation 200930 (VCV000200930.9), dbSNP rs556237236, ClinGen allele CA017891.